The following is an entry in ClinVar:

NM_031935.3(HMCN1):c.8291-12T>A

Gene: HMCN1 (hemicentin 1; plus strand). Cytogenetic location: 1q31.1.
Variant type: single nucleotide variant.
Coding change: c.8291-12T>A on transcript NM_031935.3 (MANE Select); 12 bases into the intron before coding-DNA position 8291, T replaced by A.
Molecular consequence: intron variant.
Genome position (GRCh38, 1-based): chr1:186,076,416, T>A. VCF-style: chr1-186076416-T-A. GRCh37 (hg19) VCF-style: chr1-186045548-T-A.
Identifiers: ClinVar variation 4704796 (VCV004704796.1).
Genomic context (GRCh38, chr1:186,076,416, plus strand): 5'-TGGTGAAAACACAGCCAAGATCTTTGTTTAAGCATTTATATGTGACCAACATTTAATGCC[T>A]TTCCTCCATAGTTCCTCCAAGTTTTCAGAAACTCTGGGAAATAGGAAACATGCTAGATAC-3'

ClinVar aggregate classification (germline): Uncertain significance (1 of 4 stars; one submission).

gnomAD v4.1: 11 of 1,612,504 alleles (0.00068%); highest among the groups gnomAD compares: Admixed American, 0.018%; no homozygotes.

Submission:

Labcorp Genetics (formerly Invitae), Labcorp
Classification: Uncertain significance. Last evaluated: 2025-02-11. Review status: criteria provided, single submitter. Criteria: Invitae Variant Classification Sherloc (09022015). Collection method: clinical testing. Allele origin: germline.
Comment: This sequence change falls in intron 53 of the HMCN1 gene. It does not directly change the encoded amino acid sequence of the HMCN1 protein. This variant is present in population databases (rs185831675, gnomAD 0.02%). This variant has not been reported in the literature in individuals affected with HMCN1-related conditions. Algorithms developed to predict the effect of sequence changes on RNA splicing suggest that this variant may disrupt the consensus splice site. In summary, the available evidence is currently insufficient to determine the role of this variant in disease. Therefore, it has been classified as a Variant of Uncertain Significance.